The following is an entry in ClinVar:

ClinVar aggregate classification (germline): Uncertain significance. Review status: criteria provided, multiple submitters, no conflicts (2 of 4 stars). 2 submissions from 2 submitters: Uncertain significance (2). Last evaluated 2025-08-18.

Conditions:
Hereditary cancer-predisposing syndrome. Also called: Tumor predisposition; Hereditary neoplastic syndrome; Neoplastic Syndromes, Hereditary; Hereditary Cancer Syndrome. Identifiers: Orphanet 140162, MedGen C0027672, MeSH D009386, MONDO:0015356.
Neuroblastoma, susceptibility to, 3. Also called: ALK-Related Neuroblastic Tumor Susceptibility. Identifiers: Orphanet 635, MedGen C2751681, MONDO:0013083, OMIM 613014.

Submissions (3):

Labcorp Genetics (formerly Invitae), Labcorp
Classification: Uncertain significance for Neuroblastoma, susceptibility to, 3. Last evaluated: 2025-08-18. Review status: criteria provided, single submitter. Criteria: Invitae Variant Classification Sherloc (09022015). Collection method: clinical testing. Allele origin: germline.
Comment: This sequence change replaces isoleucine, which is neutral and non-polar, with phenylalanine, which is neutral and non-polar, at codon 630 of the ALK protein (p.Ile630Phe). This variant is not present in population databases (gnomAD no frequency). This variant has not been reported in the literature in individuals affected with ALK-related conditions. ClinVar contains an entry for this variant (Variation ID: 2561058). An algorithm developed to predict the effect of missense changes on protein structure and function (PolyPhen-2) suggests that this variant is likely to be disruptive. In summary, the available evidence is currently insufficient to determine the role of this variant in disease. Therefore, it has been classified as a Variant of Uncertain Significance.

Ambry Genetics
Classification: Uncertain significance for Hereditary cancer-predisposing syndrome. Last evaluated: 2023-05-27. Review status: criteria provided, single submitter. Criteria: Ambry Variant Classification Scheme 2023. Collection method: clinical testing. Allele origin: germline.
Comment: The p.I630F variant (also known as c.1888A>T), located in coding exon 10 of the ALK gene, results from an A to T substitution at nucleotide position 1888. The isoleucine at codon 630 is replaced by phenylalanine, an amino acid with highly similar properties. This amino acid position is conserved. In addition, this alteration is predicted to be tolerated by in silico analysis. Since supporting evidence is limited at this time, the clinical significance of this alteration remains unclear.

Dr. Peter K. Rogan Lab, Western University
No classification provided (evidence only). Condition: Ovarian serous cystadenocarcinoma. Review status: no classification provided. Collection method: in vitro. Allele origin: not applicable. Functional consequence: retained intron. Not counted in ClinVar's aggregate classification.

NM_004304.5(ALK):c.1888A>T (p.Ile630Phe)

Gene: ALK (ALK receptor tyrosine kinase; minus strand). Cytogenetic location: 2p23.2.
Variant type: single nucleotide variant.
Coding change: c.1888A>T on transcript NM_004304.5 (MANE Select); coding-DNA position 1888, A replaced by T.
Protein change: p.Ile630Phe; replaces isoleucine 630 with phenylalanine.
Molecular consequence: missense variant.
Genome position (GRCh38, 1-based): chr2:29,275,426, T>A on the plus strand (A>T on the coding strand, the complement: ALK is on the minus strand). VCF-style: chr2-29275426-T-A. GRCh37 (hg19) VCF-style: chr2-29498292-T-A.
Other names: NC_000002.11:g.29498292T>A; short protein forms I630F.
Identifiers: ClinVar variation 2561058 (VCV002561058.4), dbSNP rs1345759462, ClinGen allele CA346479904.